The following is an entry in ClinVar:

NM_017635.5(KMT5B):c.1595C>T (p.Ser532Leu)

Gene: KMT5B (lysine methyltransferase 5B; minus strand). Cytogenetic location: 11q13.2.
Variant type: single nucleotide variant.
Coding change: c.1595C>T on transcript NM_017635.5 (MANE Select); coding-DNA position 1595, C replaced by T.
Protein change: p.Ser532Leu; replaces serine 532 with leucine.
Molecular consequence: missense variant.
Genome position (GRCh38, 1-based): chr11:68,158,751, G>A on the plus strand (C>T on the coding strand, the complement: KMT5B is on the minus strand). VCF-style: chr11-68158751-G-A. GRCh37 (hg19) VCF-style: chr11-67926218-G-A.
Other names: c.1079C>T, p.Ser360Leu (NM_001300907.1, NM_001369428.1, NM_001369429.1 and 4 more transcripts); c.875C>T, p.Ser292Leu (NM_001300908.2); c.1595C>T, p.Ser532Leu (NM_001369426.1); short protein forms S292L, S360L, S532L.
Identifiers: ClinVar variation 3043267 (VCV003043267.15), dbSNP rs150905417, ClinGen allele CA6148155.

ClinVar aggregate classification (germline): Likely benign. Review status: criteria provided, single submitter (1 of 4 stars). 2 submissions from 2 submitters: Likely benign (1). 1 of the submissions does not count toward it. Last evaluated 2025-03-01.

Conditions:
KMT5B-related disorder. Also called: KMT5B-related condition.

Allele frequency attached by ClinVar (database versions not stated): gnomAD exomes 0.00050; TOPMed 0.00068; gnomAD 0.00074; ExAC 0.00130; 1000 Genomes Project 0.00280; 1000 Genomes Project 30x 0.00281.
gnomAD v4.1: 875 of 1,614,126 alleles (0.054%); highest among the groups gnomAD compares: East Asian, 1.5%; 12 homozygotes.

Submissions (2):

CeGaT Center for Human Genetics Tuebingen
Classification: Likely benign. Last evaluated: 2025-03-01. Review status: criteria provided, single submitter. Criteria: CeGaT Center For Human Genetics Tuebingen Variant Classification Criteria Version 2. Collection method: clinical testing. Allele origin: germline. Affected: yes. Observed: 3 variant alleles.
Comment: KMT5B: BP4, BS1

PreventionGenetics, part of Exact Sciences
Classification: Likely benign for KMT5B-related condition. Last evaluated: 2023-12-27. Review status: no assertion criteria provided. Collection method: clinical testing. Allele origin: germline. Not counted in ClinVar's aggregate classification.
Comment: This variant is classified as likely benign based on ACMG/AMP sequence variant interpretation guidelines (Richards et al. 2015 PMID: 25741868, with internal and published modifications).